The following is an entry in ClinVar:

ClinVar aggregate classification (germline): Pathogenic (1 of 4 stars; one submission).

Submission:

Labcorp Genetics (formerly Invitae), Labcorp
Classification: Pathogenic. Last evaluated: 2025-03-03. Review status: criteria provided, single submitter. Criteria: Invitae Variant Classification Sherloc (09022015). Collection method: clinical testing. Allele origin: germline.
Comment: This sequence change creates a premature translational stop signal (p.Pro87Glnfs*28) in the ABCA4 gene. It is expected to result in an absent or disrupted protein product. Loss-of-function variants in ABCA4 are known to be pathogenic (PMID: 10958761, 24938718, 25312043, 26780318). This variant is not present in population databases (gnomAD no frequency). This variant has not been reported in the literature in individuals affected with ABCA4-related conditions. ClinVar contains an entry for this variant (Variation ID: 1425702). For these reasons, this variant has been classified as Pathogenic.

Literature cited by the submitters: PubMed 10958761; PubMed 24938718; PubMed 25312043; PubMed 26780318.

NM_000350.3(ABCA4):c.260del (p.Pro87fs)

Gene: ABCA4 (ATP binding cassette subfamily A member 4; minus strand). Cytogenetic location: 1p22.1.
Variant type: Deletion.
Coding change: c.260del on transcript NM_000350.3 (MANE Select); coding-DNA position 260, one base deleted (C; older notation c.260delC).
Protein change: p.Pro87fs; shifts the reading frame from proline 87.
Molecular consequence: frameshift variant.
Genome position (GRCh38, 1-based): chr1:94,111,480, G deleted on the plus strand (C on the coding strand, the reverse complement: ABCA4 is on the minus strand); the first of 4 consecutive G bases (chr1:94,111,480-94,111,483); deleting any one gives the same sequence. VCF-style (leftmost placement, unchanged base first): chr1-94111479-TG-T. GRCh37 (hg19) VCF-style: chr1-94577035-TG-T.
Other names: c.257delC, p.Pro87Glnfs (NM_001425324.1); short protein forms P87fs.
Identifiers: ClinVar variation 1425702 (VCV001425702.6), dbSNP rs2101162359, ClinGen allele CA2573132726.